The following is an entry in ClinVar:

NM_000474.4(TWIST1):c.90_111dup (p.Lys38fs)

Gene: TWIST1 (twist family bHLH transcription factor 1; minus strand). Cytogenetic location: 7p21.1.
Variant type: Duplication.
Coding change: c.90_111dup on transcript NM_000474.4 (MANE Select); coding-DNA positions 90 to 111, 22 bases duplicated (GAGCGGCAAGCGCGGGGGACGC).
Protein change: p.Lys38fs; shifts the reading frame from lysine 38.
Molecular consequence: frameshift variant. On other transcripts: non-coding transcript variant (1).
Genome position (GRCh38, 1-based): chr7:19,117,211-19,117,232, GCGTCCCCCGCGCTTGCCGCTC duplicated on the plus strand (GAGCGGCAAGCGCGGGGGACGC on the coding strand, the reverse complement: TWIST1 is on the minus strand); duplicating any 22 consecutive bases within chr7:19,117,211-19,117,233 gives the same sequence; the c. name uses the placement nearest the transcript's 3' end. VCF-style (leftmost placement, unchanged base first): chr7-19117210-T-TGCGTCCCCCGCGCTTGCCGCTC. GRCh37 (hg19) VCF-style: chr7-19156833-T-TGCGTCCCCCGCGCTTGCCGCTC.
Other names: short protein forms K38fs.
Identifiers: ClinVar variation 4682087 (VCV004682087.5).
Genomic context (GRCh38, chr7:19,117,210, plus strand): 5'-CACCCGCGGCTCCGCCGGGCCCCGCGCCGCCGCCCGCGCTGCGCCTGCTGCTGCGCCGCT[T>TGCGTCCCCCGCGCTTGCCGCTC]GCGTCCCCCGCGCTTGCCGCTCGGCGGCTGCTGCCGGTCTGGCTCTTCCTCGCTGTTGCT-3'

ClinVar aggregate classification (germline): Likely pathogenic (1 of 4 stars; one submission).

Submission:

CeGaT Center for Human Genetics Tuebingen
Classification: Likely pathogenic. Last evaluated: 2025-12-01. Review status: criteria provided, single submitter. Criteria: CeGaT Center For Human Genetics Tuebingen Variant Classification Criteria Version 2. Collection method: clinical testing. Allele origin: germline. Affected: yes. Observed: 1 variant allele.
Comment: TWIST1: PVS1:Strong, PM2